The following is an entry in ClinVar:

ClinVar aggregate classification (germline): Pathogenic (1 of 4 stars; one submission).

Submission:

Labcorp Genetics (formerly Invitae), Labcorp
Classification: Pathogenic. Last evaluated: 2023-10-22. Review status: criteria provided, single submitter. Criteria: Invitae Variant Classification Sherloc (09022015). Collection method: clinical testing. Allele origin: unknown.
Comment: This variant is a gross deletion of the genomic region encompassing exon(s) 10 of the ESCO2 gene. While this deletion is not anticipated to lead to nonsense mediated decay, it is expected to disrupt the C-terminus of the protein. This variant has not been reported in the literature in individuals affected with ESCO2-related conditions. This variant disrupts a region of the ESCO2 protein in which other variant(s) (p.Trp539Gly,) have been determined to be pathogenic (PMID: 15821733, 18411254, 19738907). This suggests that this is a clinically significant region of the protein, and that variants that disrupt it are likely to be disease-causing. For these reasons, this variant has been classified as Pathogenic.

Literature cited by the submitters: PubMed 15821733; PubMed 18411254; PubMed 19738907.

NC_000008.10:g.(?_27657038)_(27657253_?)del

Gene: ESCO2 (establishment of sister chromatid cohesion N-acetyltransferase 2; plus strand). Cytogenetic location: 8p21.1.
Variant type: Deletion.
Identifiers: ClinVar variation 3245555 (VCV003245555.1).